The following is an entry in ClinVar:

ClinVar aggregate classification (germline): Uncertain significance (1 of 4 stars; one submission).

Submission:

Labcorp Genetics (formerly Invitae), Labcorp
Classification: Uncertain significance. Last evaluated: 2022-02-20. Review status: criteria provided, single submitter. Criteria: Invitae Variant Classification Sherloc (09022015). Collection method: clinical testing. Allele origin: germline.
Comment: This sequence change replaces isoleucine, which is neutral and non-polar, with threonine, which is neutral and polar, at codon 25 of the GGCX protein (p.Ile25Thr). This variant is not present in population databases (gnomAD no frequency). This variant has not been reported in the literature in individuals affected with GGCX-related conditions. Algorithms developed to predict the effect of missense changes on protein structure and function output the following: SIFT: "Tolerated"; PolyPhen-2: "Benign"; Align-GVGD: "Class C0". The threonine amino acid residue is found in multiple mammalian species, which suggests that this missense change does not adversely affect protein function. In summary, the available evidence is currently insufficient to determine the role of this variant in disease. Therefore, it has been classified as a Variant of Uncertain Significance.

NM_000821.7(GGCX):c.74T>C (p.Ile25Thr)

Gene: GGCX (gamma-glutamyl carboxylase; minus strand). Cytogenetic location: 2p11.2.
Variant type: single nucleotide variant.
Coding change: c.74T>C on transcript NM_000821.7 (MANE Select); coding-DNA position 74, T replaced by C.
Protein change: p.Ile25Thr; replaces isoleucine 25 with threonine.
Molecular consequence: missense variant. On other transcripts: intron variant (1).
Genome position (GRCh38, 1-based): chr2:85,560,955, A>G on the plus strand (T>C on the coding strand, the complement: GGCX is on the minus strand). VCF-style: chr2-85560955-A-G. GRCh37 (hg19) VCF-style: chr2-85788078-A-G.
Other names: c.74T>C, p.Ile25Thr (NM_001311312.3); c.43+431T>C (NM_001142269.4); short protein forms I25T.
Identifiers: ClinVar variation 2100573 (VCV002100573.1), dbSNP rs2466171575, ClinGen allele CA347493545.